The following is an entry in ClinVar:

NM_007294.4(BRCA1):c.2044A>G (p.Asn682Asp)

Gene: BRCA1 (BRCA1 DNA repair associated; minus strand). Cytogenetic location: 17q21.31.
Variant type: single nucleotide variant.
Coding change: c.2044A>G on transcript NM_007294.4 (MANE Select); coding-DNA position 2044, A replaced by G.
Protein change: p.Asn682Asp; replaces asparagine 682 with aspartic acid.
Molecular consequence: missense variant. On other transcripts: intron variant (137).
Genome position (GRCh38, 1-based): chr17:43,093,487, T>C on the plus strand (A>G on the coding strand, the complement: BRCA1 is on the minus strand). VCF-style: chr17-43093487-T-C. GRCh37 (hg19) VCF-style: chr17-41245504-T-C.
Other names: c.1831A>G, p.Asn611Asp (NM_001407571.1, NM_001407853.1, NM_001407894.1 and 9 more transcripts); c.2044A>G, p.Asn682Asp (NM_001407581.1, NM_001407582.1, NM_001407585.1 and 30 more transcripts); c.2041A>G, p.Asn681Asp (NM_001407587.1, NM_001407590.1, NM_001407591.1 and 22 more transcripts); c.2035A>G, p.Asn679Asp (NM_001407646.1, NM_001407647.1); c.1921A>G, p.Asn641Asp (NM_001407648.1, NM_001407664.1, NM_001407665.1 and 19 more transcripts); c.1918A>G, p.Asn640Asp (NM_001407649.1, NM_001407670.1, NM_001407671.1 and 11 more transcripts); c.1966A>G, p.Asn656Asp (NM_001407653.1, NM_001407654.1, NM_001407655.1 and 4 more transcripts); c.1963A>G, p.Asn655Asp (NM_001407659.1, NM_001407660.1, NM_001407661.1 and 1 more transcripts); and 40 more; short protein forms N386D, N514D, N570D, N655D, N679D, N593D, N594D, N615D.
Identifiers: ClinVar variation 1784943 (VCV001784943.4), dbSNP rs2552194698, ClinGen allele CA10597919.
Genomic context (GRCh38, chr17:43,093,487, plus strand): 5'-ACTTCAGCTCTGGGAAAGTATCGCTGTCATGTCTTTTACTTGTCTGTTCATTTGGCTTGT[T>C]ACTCTTCTTGGCTCCAGTTGCAGGTTCTTTACCTTCCATGAGTTGTAGGTTTCTGCTGTG-3'
Protein context (NP_009225.1, residues 672-692): KEPATGAKKS[Asn682Asp]KPNEQTSKRH

ClinVar aggregate classification (germline): Conflicting classifications of pathogenicity. Review status: criteria provided, conflicting classifications (1 of 4 stars). 2 submissions from 2 submitters: Uncertain significance (1); Likely benign (1). Last evaluated 2023-03-23.

Conditions:
Hereditary cancer-predisposing syndrome. Also called: Neoplastic Syndromes, Hereditary; Tumor predisposition; Hereditary Cancer Syndrome; Hereditary neoplastic syndrome. Identifiers: Orphanet 140162, MedGen C0027672, MeSH D009386, MONDO:0015356.

Submissions (2):

University of Washington Department of Laboratory Medicine, University of Washington
Classification: Likely benign for Hereditary cancer-predisposing syndrome. Last evaluated: 2023-03-23. Review status: criteria provided, single submitter. Criteria: Dines et al. (Genet Med. 2020). Collection method: curation. Allele origin: germline.
Comment: Missense variant in a coldspot region where missense variants are very unlikely to be pathogenic (PMID:31911673).

BRCA1 coldspot (exon 11 using historical exon numbering). Reclassification based on statistical prior probability

Ambry Genetics
Classification: Uncertain significance for Hereditary cancer-predisposing syndrome. Last evaluated: 2022-10-28. Review status: criteria provided, single submitter. Criteria: Ambry Variant Classification Scheme 2023. Collection method: clinical testing. Allele origin: germline.
Comment: The p.N682D variant (also known as c.2044A>G), located in coding exon 9 of the BRCA1 gene, results from an A to G substitution at nucleotide position 2044. The asparagine at codon 682 is replaced by aspartic acid, an amino acid with highly similar properties. This amino acid position is not well conserved in available vertebrate species. In addition, this alteration is predicted to be tolerated by in silico analysis. Since supporting evidence is limited at this time, the clinical significance of this alteration remains unclear.